The following is an entry in ClinVar:

NM_014141.6(CNTNAP2):c.1222G>A (p.Gly408Ser)

Gene: CNTNAP2 (contactin associated protein 2; plus strand). Cytogenetic location: 7q35.
Variant type: single nucleotide variant.
Coding change: c.1222G>A on transcript NM_014141.6 (MANE Select); coding-DNA position 1222, G replaced by A.
Protein change: p.Gly408Ser; replaces glycine 408 with serine.
Molecular consequence: missense variant.
Genome position (GRCh38, 1-based): chr7:147,132,383, G>A. VCF-style: chr7-147132383-G-A. GRCh37 (hg19) VCF-style: chr7-146829475-G-A.
Other names: short protein forms G408S.
Identifiers: ClinVar variation 1345965 (VCV001345965.8), dbSNP rs751202112, ClinGen allele CA369924744.

ClinVar aggregate classification (germline): Uncertain significance (1 of 4 stars; one submission).

Conditions:
Cortical dysplasia-focal epilepsy syndrome (PTHSL1). Also called: Pitt-Hopkins-like syndrome 1. Identifiers: Orphanet 163681, Orphanet 221150, MedGen C2750246, MONDO:0012400, OMIM 610042.

Allele frequency attached by ClinVar (database versions not stated): gnomAD exomes below 0.00001.
gnomAD v4.1: 1 of 1,613,640 alleles (0.000062%); highest among the groups gnomAD compares: Non-Finnish European, 0.000085%; no homozygotes.

Submission:

Labcorp Genetics (formerly Invitae), Labcorp
Classification: Uncertain significance for Cortical dysplasia-focal epilepsy syndrome. Last evaluated: 2022-01-14. Review status: criteria provided, single submitter. Criteria: Invitae Variant Classification Sherloc (09022015). Collection method: clinical testing. Allele origin: germline.
Comment: This variant is not present in population databases (gnomAD no frequency). This sequence change replaces glycine, which is neutral and non-polar, with serine, which is neutral and polar, at codon 408 of the CNTNAP2 protein (p.Gly408Ser). This variant has not been reported in the literature in individuals affected with CNTNAP2-related conditions. Algorithms developed to predict the effect of missense changes on protein structure and function are either unavailable or do not agree on the potential impact of this missense change (SIFT: "Deleterious"; PolyPhen-2: "Probably Damaging"; Align-GVGD: "Class C0"). In summary, the available evidence is currently insufficient to determine the role of this variant in disease. Therefore, it has been classified as a Variant of Uncertain Significance.